The following is an entry in ClinVar:

NM_033118.4(MYLK2):c.972+14G>A

Gene: MYLK2 (myosin light chain kinase 2; plus strand). Cytogenetic location: 20q11.21.
Variant type: single nucleotide variant.
Coding change: c.972+14G>A on transcript NM_033118.4 (MANE Select); 14 bases into the intron after coding-DNA position 972, G replaced by A.
Molecular consequence: intron variant.
Genome position (GRCh38, 1-based): chr20:31,824,366, G>A. VCF-style: chr20-31824366-G-A. GRCh37 (hg19) VCF-style: chr20-30412169-G-A.
Identifiers: ClinVar variation 36655 (VCV000036655.15), dbSNP rs193922713, ClinGen allele CA177204.
Genomic context (GRCh38, chr20:31,824,366, plus strand): 5'-TCAAGCTGGCAGCCAAGGTCATCAAGAAACAGACTCCCAAAGACAAGGTAGTGAGGTTGC[G>A]GGGGTGGTGGCTGCCCAGGATGGGGAGGGGATCCTTGGAGTGGGCACCTCTCGCCTCCCT-3'

ClinVar aggregate classification (germline): Benign/Likely benign. Review status: criteria provided, multiple submitters, no conflicts (2 of 4 stars). 6 submissions from 6 submitters: Benign (3); Likely benign (2). 1 of the submissions does not count toward it. Last evaluated 2025-12-29.

Conditions:
Hypertrophic cardiomyopathy 1 (CMH1). Also called: MYH7-Related Familial Hypertrophic Cardiomyopathy; Familial hypertrophic cardiomyopathy 1. Identifiers: MedGen C3495498, MONDO:0008647, OMIM 192600.

Allele frequency attached by ClinVar (database versions not stated): TOPMed 0.00018; gnomAD 0.00020 and 0.00027; ESP Exome Variant Server 0.00038; 1000 Genomes Project 0.00040; 1000 Genomes Project 30x 0.00047; gnomAD exomes 0.00072.
gnomAD v4.1: 628 of 1,603,684 alleles (0.039%); highest among the groups gnomAD compares: South Asian, 0.36%; 5 homozygotes.

Submissions (6):

Labcorp Genetics (formerly Invitae), Labcorp
Classification: Benign for Hypertrophic cardiomyopathy 1. Last evaluated: 2025-12-29. Review status: criteria provided, single submitter. Criteria: Invitae Variant Classification Sherloc (09022015). Collection method: clinical testing. Allele origin: germline.

Women's Health and Genetics/Laboratory Corporation of America, LabCorp
Classification: Benign. Last evaluated: 2018-09-12. Review status: criteria provided, single submitter. Criteria: LabCorp Variant Classification Summary - May 2015. Collection method: clinical testing. Allele origin: germline.
Comment: Variant summary: MYLK2 c.972+14G>A alters a non-conserved nucleotide located close to a canonical splice site and therefore could affect mRNA splicing, leading to a significantly altered protein sequence. 5/5 computational tools predict no significant impact on normal splicing. However, these predictions have yet to be confirmed by functional studies. The variant allele was found at a frequency of 0.00066 in 257916 control chromosomes, predominantly at a frequency of 0.0041 within the South Asian subpopulation in the gnomAD database. The observed variant frequency within South Asian control individuals in the gnomAD database is approximately 164 fold of the estimated maximal expected allele frequency for a pathogenic variant in MYLK2 causing Cardiomyopathy phenotype (2.5e-05), strongly suggesting that the variant is a benign polymorphism found primarily in populations of South Asian origin. To our knowledge, no occurrence of c.972+14G>A in individuals affected with Cardiomyopathy and no experimental evidence demonstrating its impact on protein function have been reported. One clinical diagnostic laboratory has submitted clinical-significance assessments for this variant to ClinVar after 2014 without evidence for independent evaluation and classified the variant as uncertain significance. Based on the evidence outlined above, the variant was classified as benign.

GeneDx
Classification: Benign. Last evaluated: 2015-03-03. Review status: criteria provided, single submitter. Criteria: GeneDx Variant Classification Process June 2021. Collection method: clinical testing. Allele origin: germline. Affected: yes.

Genome Diagnostics Laboratory, University Medical Center Utrecht
Classification: Likely benign for Hypertrophic cardiomyopathy 1. Last evaluated: 2014-10-09. Review status: criteria provided, single submitter. Criteria: ACGS Guidelines, 2013. Collection method: clinical testing. Allele origin: germline. Affected: yes. Study: VKGL Data-share Consensus.

Laboratory for Molecular Medicine, Mass General Brigham Personalized Medicine
Classification: Likely benign. Last evaluated: 2013-04-21. Review status: criteria provided, single submitter. Criteria: LMM Criteria. Collection method: clinical testing. Allele origin: germline. Observed: 2 variant alleles.
Comment: 972+14G>A in intron 6 of MYLK2: This variant is not expected to have clinical si gnificance because it is not located within the splice consensus sequence. It ha s been identified in 5/8600 European American chromosomes by the NHLBI Exome Seq uencing Project (dbSNP rs193922713). 972+14G >A in intron 6 of MYLK2 (rs193922713; allele frequency = 5/8600) **

Diagnostic Laboratory, Department of Genetics, University Medical Center Groningen
Classification: Likely benign for Hypertrophic cardiomyopathy 1. Review status: no assertion criteria provided. Collection method: clinical testing. Allele origin: germline. Affected: yes. Study: VKGL Data-share Consensus. Not counted in ClinVar's aggregate classification.